The following is an entry in ClinVar:

NM_001042492.3(NF1):c.7075G>T (p.Val2359Leu)

Gene: NF1 (neurofibromin 1; plus strand). Cytogenetic location: 17q11.2.
Variant type: single nucleotide variant.
Coding change: c.7075G>T on transcript NM_001042492.3 (MANE Select); coding-DNA position 7075, G replaced by T.
Protein change: p.Val2359Leu; replaces valine 2359 with leucine.
Molecular consequence: missense variant.
Genome position (GRCh38, 1-based): chr17:31,343,021, G>T. VCF-style: chr17-31343021-G-T. GRCh37 (hg19) VCF-style: chr17-29670039-G-T.
Other names: c.7012G>T, p.Val2338Leu (NM_000267.4); short protein forms V2338L, V2359L.
Identifiers: ClinVar variation 4860906 (VCV004860906.1).

ClinVar aggregate classification (germline): Uncertain significance (1 of 4 stars; one submission).

Conditions:
Cardiovascular phenotype. Identifiers: MedGen CN230736.
Hereditary cancer-predisposing syndrome. Also called: Neoplastic Syndromes, Hereditary; Tumor predisposition; Hereditary Cancer Syndrome; Hereditary neoplastic syndrome. Identifiers: Orphanet 140162, MedGen C0027672, MeSH D009386, MONDO:0015356.

Submission:

Ambry Genetics
Classification: Uncertain significance for Cardiovascular phenotype; Hereditary cancer-predisposing syndrome. Last evaluated: 2026-04-08. Review status: criteria provided, single submitter. Criteria: Ambry Variant Classification Scheme 2023. Collection method: clinical testing. Allele origin: germline.
Comment: The p.V2338L variant (also known as c.7012G>T), located in coding exon 47 of the NF1 gene, results from a G to T substitution at nucleotide position 7012. The valine at codon 2338 is replaced by leucine, an amino acid with highly similar properties. This amino acid position is highly conserved in available vertebrate species. In addition, the in silico prediction for this alteration is inconclusive. Based on the available evidence, the clinical significance of this variant remains unclear.